The following is an entry in ClinVar:

ClinVar aggregate classification (germline): Pathogenic (1 of 4 stars; one submission).

Submission:

Labcorp Genetics (formerly Invitae), Labcorp
Classification: Pathogenic. Last evaluated: 2023-09-27. Review status: criteria provided, single submitter. Criteria: Invitae Variant Classification Sherloc (09022015). Collection method: clinical testing. Allele origin: germline.
Comment: This sequence change creates a premature translational stop signal (p.Pro289Glnfs*2) in the SEPSECS gene. It is expected to result in an absent or disrupted protein product. Loss-of-function variants in SEPSECS are known to be pathogenic (PMID: 25558065, 25590979, 26115735). This variant is not present in population databases (gnomAD no frequency). This variant has not been reported in the literature in individuals affected with SEPSECS-related conditions. Algorithms developed to predict the effect of sequence changes on RNA splicing suggest that this variant may disrupt the consensus splice site. For these reasons, this variant has been classified as Pathogenic.

Literature cited by the submitters: PubMed 25558065; PubMed 25590979; PubMed 26115735.

NM_016955.4(SEPSECS):c.864del (p.Pro289fs)

Gene: SEPSECS (Sep (O-phosphoserine) tRNA:Sec (selenocysteine) tRNA synthase; minus strand). Cytogenetic location: 4p15.2.
Variant type: Deletion.
Coding change: c.864del on transcript NM_016955.4 (MANE Select); coding-DNA position 864, one base deleted (T; older notation c.864delT).
Protein change: p.Pro289fs; shifts the reading frame from proline 289.
Molecular consequence: frameshift variant.
Genome position (GRCh38, 1-based): chr4:25,145,074, A deleted on the plus strand (T on the coding strand, the reverse complement: SEPSECS is on the minus strand); the first of 2 consecutive A bases (chr4:25,145,074-25,145,075); deleting either gives the same sequence. VCF-style (leftmost placement, unchanged base first): chr4-25145073-GA-G. GRCh37 (hg19) VCF-style: chr4-25146695-GA-G.
Other names: c.1119del, p.Pro374fs (NM_001410714.1); c.863delT, p.Pro289Glnfs (NM_153825.2); short protein forms P289fs, P374fs.
Identifiers: ClinVar variation 2763928 (VCV002763928.3), dbSNP rs2474660936, ClinGen allele CA2697557080.